The following is an entry in ClinVar:

NM_001844.5(COL2A1):c.2733+197A>C

Gene: COL2A1 (collagen type II alpha 1 chain; minus strand). Cytogenetic location: 12q13.11.
Variant type: single nucleotide variant.
Coding change: c.2733+197A>C on transcript NM_001844.5 (MANE Select); 197 bases into the intron after coding-DNA position 2733, A replaced by C.
Molecular consequence: intron variant.
Genome position (GRCh38, 1-based): chr12:47,979,314, T>G on the plus strand (A>C on the coding strand, the complement: COL2A1 is on the minus strand). VCF-style: chr12-47979314-T-G. GRCh37 (hg19) VCF-style: chr12-48373097-T-G.
Other names: c.2526+197A>C (NM_033150.3).
Identifiers: ClinVar variation 679444 (VCV000679444.1), dbSNP rs74086449, ClinGen allele CA236522379.

ClinVar aggregate classification (germline): Benign (1 of 4 stars; one submission).

Allele frequency attached by ClinVar (database versions not stated): gnomAD 0.02469 and 0.02632; TOPMed 0.02769; 1000 Genomes Project 0.02895; 1000 Genomes Project 30x 0.03154.
gnomAD v4.1: 3,715 of 152,202 alleles (2.4%); highest among the groups gnomAD compares: African/African-American, 8.4%; 187 homozygotes.

Submission:

GeneDx
Classification: Benign. Last evaluated: 2018-06-14. Review status: criteria provided, single submitter. Criteria: GeneDx Variant Classification (06012015). Collection method: clinical testing. Allele origin: germline. Affected: yes.
Comment: This variant is considered likely benign or benign based on one or more of the following criteria: it is a conservative change, it occurs at a poorly conserved position in the protein, it is predicted to be benign by multiple in silico algorithms, and/or has population frequency not consistent with disease.